The following is an entry in ClinVar:

NM_001393769.1(MED12L):c.3950T>C (p.Met1317Thr)

Genes: MED12L (mediator complex subunit 12L; plus strand), P2RY12 (purinergic receptor P2Y12; minus strand). Cytogenetic location: 3q25.1.
Variant type: single nucleotide variant.
Coding change: c.3950T>C on transcript NM_001393769.1 (MANE Select); coding-DNA position 3950, T replaced by C.
Protein change: p.Met1317Thr; replaces methionine 1317 with threonine.
Molecular consequence: missense variant. On other transcripts: intron variant (1).
Genome position (GRCh38, 1-based): chr3:151,376,111, T>C. VCF-style: chr3-151376111-T-C. GRCh37 (hg19) VCF-style: chr3-151093899-T-C.
Other names: c.3845T>C (NM_053002.4); c.3845T>C, p.Met1282Thr (NM_053002.6); c.-180+8581A>G (NM_022788.5); short protein forms M1282T, M1317T.
Identifiers: ClinVar variation 3051624 (VCV003051624.19), dbSNP rs768221380, ClinGen allele CA2668398.
Genomic context (GRCh38, chr3:151,376,111, plus strand): 5'-AAGAACCTGAAAGATTATGTACAGACAAAGAACTTATATTGGACCCTGTGCTTTCAAATA[T>C]GCAAGCACAGAAATTACTGCAGCTTATCTGTTATCCTCATGGCATTAAAGAATGTACCGA-3'
Protein context (NP_001380698.1, residues 1307-1327): ELILDPVLSN[Met1317Thr]QAQKLLQLIC

ClinVar aggregate classification (germline): Conflicting classifications of pathogenicity. Review status: criteria provided, conflicting classifications (1 of 4 stars). 3 submissions from 3 submitters: Uncertain significance (1); Likely benign (1). 1 of the submissions does not count toward it. Last evaluated 2025-10-24.

Conditions:
MED12L-related disorder. Also called: MED12L-related condition.
Inborn genetic diseases. Identifiers: MedGen C0950123, MeSH D030342.

Allele frequency attached by ClinVar (database versions not stated): gnomAD 0.00001; TOPMed 0.00001; ExAC 0.00002; gnomAD exomes 0.00003; 1000 Genomes Project 30x 0.00016.
gnomAD v4.1: 39 of 1,612,098 alleles (0.0024%); highest among the groups gnomAD compares: Non-Finnish European, 0.0031%; no homozygotes.

Submissions (3):

Ambry Genetics
Classification: Uncertain significance for Inborn genetic diseases. Last evaluated: 2025-10-24. Review status: criteria provided, single submitter. Criteria: Ambry Variant Classification Scheme 2023. Collection method: clinical testing. Allele origin: germline.

CeGaT Center for Human Genetics Tuebingen
Classification: Likely benign. Last evaluated: 2024-06-01. Review status: criteria provided, single submitter. Criteria: CeGaT Center For Human Genetics Tuebingen Variant Classification Criteria Version 2. Collection method: clinical testing. Allele origin: germline. Affected: yes. Observed: 1 variant allele.
Comment: MED12L: BP4

PreventionGenetics, part of Exact Sciences
Classification: Likely benign for MED12L-related condition. Last evaluated: 2023-10-12. Review status: no assertion criteria provided. Collection method: clinical testing. Allele origin: germline. Not counted in ClinVar's aggregate classification.
Comment: This variant is classified as likely benign based on ACMG/AMP sequence variant interpretation guidelines (Richards et al. 2015 PMID: 25741868, with internal and published modifications).